The following is an entry in ClinVar:

ClinVar aggregate classification (germline): Uncertain significance (1 of 4 stars; one submission).

Conditions:
Medulloblastoma (MDB). Also called: MEDULLOBLASTOMA PREDISPOSITION SYNDROME; Medulloblastoma, somatic. Identifiers: Orphanet 616, MedGen C0025149, MeSH D008527, MONDO:0007959, OMIM 155255, HP:0002885.
Gorlin syndrome. Also called: Nevoid Basal Cell Carcinoma Syndrome; Basal cell nevus syndrome. Identifiers: Orphanet 377, MedGen C0004779, MONDO:0007187.

Submission:

Labcorp Genetics (formerly Invitae), Labcorp
Classification: Uncertain significance for Gorlin syndrome; Medulloblastoma. Last evaluated: 2021-01-14. Review status: criteria provided, single submitter. Criteria: Invitae Variant Classification Sherloc (09022015). Collection method: clinical testing. Allele origin: germline.
Comment: In summary, the available evidence is currently insufficient to determine the role of this variant in disease. Therefore, it has been classified as a Variant of Uncertain Significance. Algorithms developed to predict the effect of missense changes on protein structure and function are either unavailable or do not agree on the potential impact of this missense change (SIFT: "Deleterious"; PolyPhen-2: "Benign"; Align-GVGD: "Class C0"). This variant has not been reported in the literature in individuals with SUFU-related conditions. This variant is not present in population databases (ExAC no frequency). This sequence change replaces leucine with phenylalanine at codon 444 of the SUFU protein (p.Leu444Phe). The leucine residue is highly conserved and there is a small physicochemical difference between leucine and phenylalanine.

NM_016169.4(SUFU):c.1332G>C (p.Leu444Phe)

Gene: SUFU (SUFU negative regulator of hedgehog signaling; plus strand). Cytogenetic location: 10q24.32.
Variant type: single nucleotide variant.
Coding change: c.1332G>C on transcript NM_016169.4 (MANE Select); coding-DNA position 1332, G replaced by C.
Protein change: p.Leu444Phe; replaces leucine 444 with phenylalanine.
Molecular consequence: missense variant.
Genome position (GRCh38, 1-based): chr10:102,627,210, G>C. VCF-style: chr10-102627210-G-C. GRCh37 (hg19) VCF-style: chr10-104386967-G-C.
Other names: short protein forms L444F.
Identifiers: ClinVar variation 1421030 (VCV001421030.8), dbSNP rs2135954289, ClinGen allele CA377918797.
Genomic context (GRCh38, chr10:102,627,210, plus strand): 5'-AAAAGCCTGCCTTGTGCCTTCACAGATTCTGTTGACCGAAGAGTTTGTAGAGAAAATGTT[G>C]GAGGATTTAGAAGATTTGACTTCTCCAGAGGAAGTAAGCTTGTTTGACTTTTCCTGACAA-3'
Protein context (NP_057253.2, residues 434-454): LLTEEFVEKM[Leu444Phe]EDLEDLTSPE